The following is an entry in ClinVar:

NM_000137.4(FAH):c.615dup (p.Val206fs)

Gene: FAH (fumarylacetoacetate hydrolase; plus strand). Cytogenetic location: 15q25.1.
Variant type: Duplication.
Coding change: c.615dup on transcript NM_000137.4 (MANE Select); coding-DNA position 615, one base duplicated (T; older notation c.615dupT).
Protein change: p.Val206fs; shifts the reading frame from valine 206.
Molecular consequence: frameshift variant.
Genome position (GRCh38, 1-based): chr15:80,172,157, T duplicated; the last of 7 consecutive T bases (chr15:80,172,151-80,172,157); duplicating any one gives the same sequence. VCF-style (leftmost placement, unchanged base first): chr15-80172150-C-CT. GRCh37 (hg19) VCF-style: chr15-80464492-C-CT.
Other names: p.Val206Cysfs*18; c.615dupT (NM_000137.2); c.615dup, p.Val206fs (NM_001374377.1, NM_001374380.1); short protein forms V206fs.
Identifiers: ClinVar variation 937956 (VCV000937956.16), dbSNP rs1057517084, ClinGen allele CA716072041.
Genomic context (GRCh38, chr15:80,172,150, plus strand): 5'-GACAAGTGACCTGGGCGGCAGATCAGCTCCAGATTCTAATGAACTCTCCCCCATGTAAGG[C>CT]TTTTTTTGTAGGCCCTGGAAACAGATTGGGAGAGCCGATCCCCATTTCCAAGGCCCATGA-3'

ClinVar aggregate classification (germline): Pathogenic/Likely pathogenic. Review status: criteria provided, multiple submitters, no conflicts (2 of 4 stars). 4 submissions from 4 submitters: Pathogenic (3); Likely pathogenic (1). Last evaluated 2026-01-28.

Conditions:
Tyrosinemia type I (TYRSN1). Also called: FAH DEFICIENCY; HEPATORENAL TYROSINEMIA; Tyrosinemia type 1; Fumarylacetoacetase deficiency; Deficiency of fumarylacetoacetase. Identifiers: Orphanet 882, MedGen C0268490, MONDO:0010161, OMIM 276700. Disease mechanism: loss of function.
FAH-related disorders.

Submissions (4):

Labcorp Genetics (formerly Invitae), Labcorp
Classification: Pathogenic for Tyrosinemia type I. Last evaluated: 2026-01-28. Review status: criteria provided, single submitter. Criteria: Invitae Variant Classification Sherloc (09022015). Collection method: clinical testing. Allele origin: germline.
Comment: This sequence change creates a premature translational stop signal (p.Val206Cysfs*18) in the FAH gene. It is expected to result in an absent or disrupted protein product. Loss-of-function variants in FAH are known to be pathogenic (PMID: 9101289, 9633815). This variant is not present in population databases (gnomAD no frequency). This variant has not been reported in the literature in individuals affected with FAH-related conditions. ClinVar contains an entry for this variant (Variation ID: 937956). For these reasons, this variant has been classified as Pathogenic.

Natera, Inc.
Classification: Pathogenic for Tyrosinemia type I. Last evaluated: 2025-07-21. Review status: criteria provided, single submitter. Criteria: Natera Variant Classification Schema (03/2026). Collection method: clinical testing. Allele origin: germline.
Comment: The c.615dupT variant in FAH is a frameshift variant predicted to shift the reading frame beginning at codon 206 and leads to a stop codon 18 codons downstream. This variant is expected to result in nonsense mediated decay, truncation, or a dysfunctional protein product. This variant is rare in the general population with a frequency below the threshold expected for the associated phenotype(s). This variant has been observed in one or more individuals affected with the associated recessive disease, as either homozygous or compound heterozygous with a second variant (PMID: 31965297). Given the available evidence, this variant is classified as Pathogenic.

Mayo Clinic Laboratories, Mayo Clinic
Classification: Pathogenic. Last evaluated: 2021-11-15. Review status: criteria provided, single submitter. Criteria: ACMG Guidelines, 2015. Collection method: clinical testing. Allele origin: germline.
Comment: PM2, PM3, PVS1

Blueprint Genetics
Classification: Likely pathogenic for FAH-related disorders. Last evaluated: 2021-07-29. Review status: criteria provided, single submitter. Criteria: ACMG Guidelines, 2015. Collection method: clinical testing. Allele origin: germline. Affected: yes. Observed: 1 variant allele.

Literature cited by the submitters: PubMed 9101289 (cited by Labcorp Genetics (formerly Invitae), Labcorp); PubMed 9633815 (cited by Labcorp Genetics (formerly Invitae), Labcorp); PubMed 31965297 (cited by Natera, Inc. and Mayo Clinic Laboratories, Mayo Clinic).